The following is an entry in ClinVar:

NM_005045.4(RELN):c.1640G>A (p.Gly547Glu)

Gene: RELN (reelin; minus strand). Cytogenetic location: 7q22.1.
Variant type: single nucleotide variant.
Coding change: c.1640G>A on transcript NM_005045.4 (MANE Select); coding-DNA position 1640, G replaced by A.
Protein change: p.Gly547Glu; replaces glycine 547 with glutamic acid.
Molecular consequence: missense variant.
Genome position (GRCh38, 1-based): chr7:103,652,674, C>T on the plus strand (G>A on the coding strand, the complement: RELN is on the minus strand). VCF-style: chr7-103652674-C-T. GRCh37 (hg19) VCF-style: chr7-103293121-C-T.
Other names: c.1640G>A, p.Gly547Glu (NM_173054.3); short protein forms G547E.
Identifiers: ClinVar variation 2063064 (VCV002063064.4), dbSNP rs2484840548, ClinGen allele CA368765741.

ClinVar aggregate classification (germline): Uncertain significance (1 of 4 stars; one submission).

Conditions:
Norman-Roberts syndrome (LIS2). Also called: Lissencephaly 2 (Norman-Roberts type). Identifiers: Orphanet 89844, MedGen C0796089, MONDO:0009760, OMIM 257320.
Familial temporal lobe epilepsy 7. Identifiers: Orphanet 101046, MedGen C4225327, MONDO:0014639, OMIM 616436.

Submission:

Labcorp Genetics (formerly Invitae), Labcorp
Classification: Uncertain significance for Familial temporal lobe epilepsy 7; Norman-Roberts syndrome. Last evaluated: 2022-03-17. Review status: criteria provided, single submitter. Criteria: Invitae Variant Classification Sherloc (09022015). Collection method: clinical testing. Allele origin: germline.
Comment: This sequence change replaces glycine, which is neutral and non-polar, with glutamic acid, which is acidic and polar, at codon 547 of the RELN protein (p.Gly547Glu). This variant is not present in population databases (gnomAD no frequency). This variant has not been reported in the literature in individuals affected with RELN-related conditions. Algorithms developed to predict the effect of missense changes on protein structure and function are either unavailable or do not agree on the potential impact of this missense change (SIFT: "Deleterious"; PolyPhen-2: "Possibly Damaging"; Align-GVGD: "Class C0"). In summary, the available evidence is currently insufficient to determine the role of this variant in disease. Therefore, it has been classified as a Variant of Uncertain Significance.